The following is an entry in ClinVar:

ClinVar aggregate classification (germline): Uncertain significance (1 of 4 stars; one submission).

Conditions:
Inborn genetic diseases. Identifiers: MedGen C0950123, MeSH D030342.

Submission:

Ambry Genetics
Classification: Uncertain significance for Inborn genetic diseases. Last evaluated: 2024-05-25. Review status: criteria provided, single submitter. Criteria: Ambry Variant Classification Scheme 2023. Collection method: clinical testing. Allele origin: germline.
Comment: The p.G1891E variant (also known as c.5672G>A), located in coding exon 39 of the LRRK2 gene, results from a G to A substitution at nucleotide position 5672. The glycine at codon 1891 is replaced by glutamic acid, an amino acid with similar properties. This amino acid position is conserved. In addition, this alteration is predicted to be deleterious by in silico analysis. Based on the available evidence, the clinical significance of this variant remains unclear.

NM_198578.4(LRRK2):c.5672G>A (p.Gly1891Glu)

Gene: LRRK2 (leucine rich repeat kinase 2; plus strand). Cytogenetic location: 12q12.
Variant type: single nucleotide variant.
Coding change: c.5672G>A on transcript NM_198578.4 (MANE Select); coding-DNA position 5672, G replaced by A.
Protein change: p.Gly1891Glu; replaces glycine 1891 with glutamic acid.
Molecular consequence: missense variant.
Genome position (GRCh38, 1-based): chr12:40,328,375, G>A. VCF-style: chr12-40328375-G-A. GRCh37 (hg19) VCF-style: chr12-40722177-G-A.
Other names: short protein forms G1891E.
Identifiers: ClinVar variation 3292037 (VCV003292037.1).